The following is an entry in ClinVar:

NM_014254.3(RXYLT1):c.311G>T (p.Gly104Val)

Gene: RXYLT1 (ribitol xylosyltransferase 1; plus strand). Cytogenetic location: 12q14.2.
Variant type: single nucleotide variant.
Coding change: c.311G>T on transcript NM_014254.3 (MANE Select); coding-DNA position 311, G replaced by T.
Protein change: p.Gly104Val; replaces glycine 104 with valine.
Molecular consequence: missense variant. On other transcripts: 5 prime UTR variant (1).
Genome position (GRCh38, 1-based): chr12:63,781,160, G>T. VCF-style: chr12-63781160-G-T. GRCh37 (hg19) VCF-style: chr12-64174940-G-T.
Other names: c.-470G>T (NM_001278237.2); short protein forms G104V.
Identifiers: ClinVar variation 2007077 (VCV002007077.4), dbSNP rs2500478130, ClinGen allele CA385584405.
Genomic context (GRCh38, chr12:63,781,160, plus strand): 5'-GCCTTCAAATATTAGATAAATCCACGAAAGGAAAAACAGATCTCAGTGTACAAATCTGGG[G>T]CAAAGCTGCCATTGGTAAGTTAATACGTAGAAGGAAGACATGTAAAAAGCATTATAAAAT-3'
Protein context (NP_055069.1, residues 94-114): GKTDLSVQIW[Gly104Val]KAAIGLYLWE

ClinVar aggregate classification (germline): Uncertain significance (1 of 4 stars; one submission).

Submission:

Labcorp Genetics (formerly Invitae), Labcorp
Classification: Uncertain significance. Last evaluated: 2025-10-02. Review status: criteria provided, single submitter. Criteria: Invitae Variant Classification Sherloc (09022015). Collection method: clinical testing. Allele origin: germline.
Comment: This sequence change replaces glycine, which is neutral and non-polar, with valine, which is neutral and non-polar, at codon 104 of the RXYLT1 protein (p.Gly104Val). This variant is not present in population databases (gnomAD no frequency). This variant has not been reported in the literature in individuals affected with RXYLT1-related conditions. ClinVar contains an entry for this variant (Variation ID: 2007077). Invitae Evidence Modeling of protein sequence and biophysical properties (such as structural, functional, and spatial information, amino acid conservation, physicochemical variation, residue mobility, and thermodynamic stability) has been performed for this missense variant. However, the output from this modeling did not meet the statistical confidence thresholds required to predict the impact of this variant on RXYLT1 protein function. In summary, the available evidence is currently insufficient to determine the role of this variant in disease. Therefore, it has been classified as a Variant of Uncertain Significance.